The following is an entry in ClinVar:

ClinVar aggregate classification (germline): Benign/Likely benign. Review status: criteria provided, multiple submitters, no conflicts (2 of 4 stars). 7 submissions from 7 submitters: Benign (4); Likely benign (1). 2 of the submissions do not count toward it. Last evaluated 2026-02-01.

Conditions:
RTTN-related disorder. Also called: RTTN-related condition.
Microcephalic primordial dwarfism due to RTTN deficiency (MSSP). Also called: Microcephaly, short stature, and polymicrogyria with or without seizures; MICROCEPHALY, SHORT STATURE, AND POLYMICROGYRIA. Identifiers: Orphanet 468631, MedGen C3553831, MONDO:0018764, OMIM 614833.

Allele frequency attached by ClinVar (database versions not stated): 1000 Genomes Project 30x 0.00734; 1000 Genomes Project 0.00759; gnomAD 0.01465 and 0.01493; TOPMed 0.01524; ESP Exome Variant Server 0.01866; gnomAD exomes 0.02149.
gnomAD v4.1: 33,300 of 1,593,682 alleles (2.1%); highest among the groups gnomAD compares: Middle Eastern, 7.5%; 441 homozygotes.

Submissions (16):

Labcorp Genetics (formerly Invitae), Labcorp
Classification: Benign. Last evaluated: 2026-02-01. Review status: criteria provided, single submitter. Criteria: Invitae Variant Classification Sherloc (09022015). Collection method: clinical testing. Allele origin: germline.

Blueprint Genetics
Classification: Likely benign. Last evaluated: 2024-11-28. Review status: criteria provided, single submitter. Criteria: ACMG Guidelines, 2015. Collection method: clinical testing. Allele origin: germline.

Genome-Nilou Lab
Classification: Benign for Microcephalic primordial dwarfism due to RTTN deficiency. Last evaluated: 2021-11-07. Review status: criteria provided, single submitter. Criteria: ACMG Guidelines, 2015. Collection method: clinical testing. Allele origin: germline. Affected: no.

GeneDx
Classification: Benign. Last evaluated: 2016-03-10. Review status: criteria provided, single submitter. Criteria: GeneDx Variant Classification (06012015). Collection method: clinical testing. Allele origin: germline. Affected: yes.
Comment: This variant is considered likely benign or benign based on one or more of the following criteria: it is a conservative change, it occurs at a poorly conserved position in the protein, it is predicted to be benign by multiple in silico algorithms, and/or has population frequency not consistent with disease.

Breakthrough Genomics
Classification: Benign. Review status: criteria provided, single submitter. Criteria: ACMG Guidelines, 2015. Collection method: not provided. Allele origin: germline. Inheritance: Autosomal recessive inheritance. Affected: yes.

PreventionGenetics, part of Exact Sciences
Classification: Benign for RTTN-related condition. Last evaluated: 2019-04-17. Review status: no assertion criteria provided. Collection method: clinical testing. Allele origin: germline. Not counted in ClinVar's aggregate classification.
Comment: This variant is classified as benign based on ACMG/AMP sequence variant interpretation guidelines (Richards et al. 2015 PMID: 25741868, with internal and published modifications).

Dr. Peter K. Rogan Lab, Western University
No classification provided (evidence only). Condition: Lung cancer. Review status: no classification provided. Collection method: in vitro. Allele origin: not applicable. Functional consequence: retained intron. Not counted in ClinVar's aggregate classification.

Dr. Peter K. Rogan Lab, Western University
No classification provided (evidence only). Condition: Uterine corpus endometrial carcinoma. Review status: no classification provided. Collection method: in vitro. Allele origin: not applicable. Functional consequence: retained intron. Not counted in ClinVar's aggregate classification.

Dr. Peter K. Rogan Lab, Western University
No classification provided (evidence only). Condition: Sarcoma. Review status: no classification provided. Collection method: in vitro. Allele origin: not applicable. Functional consequence: retained intron. Not counted in ClinVar's aggregate classification.

Dr. Peter K. Rogan Lab, Western University
No classification provided (evidence only). Condition: Sarcoma. Review status: no classification provided. Collection method: in vitro. Allele origin: not applicable. Functional consequence: retained intron. Not counted in ClinVar's aggregate classification.

Dr. Peter K. Rogan Lab, Western University
No classification provided (evidence only). Condition: Thymoma. Review status: no classification provided. Collection method: in vitro. Allele origin: not applicable. Functional consequence: retained intron. Not counted in ClinVar's aggregate classification.

Dr. Peter K. Rogan Lab, Western University
No classification provided (evidence only). Condition: Cholangiocarcinoma. Review status: no classification provided. Collection method: in vitro. Allele origin: not applicable. Functional consequence: retained intron. Not counted in ClinVar's aggregate classification.

Dr. Peter K. Rogan Lab, Western University
No classification provided (evidence only). Condition: Ovarian serous cystadenocarcinoma. Review status: no classification provided. Collection method: in vitro. Allele origin: not applicable. Functional consequence: retained intron. Not counted in ClinVar's aggregate classification.

Dr. Peter K. Rogan Lab, Western University
No classification provided (evidence only). Condition: Malignant tumor of esophagus. Review status: no classification provided. Collection method: in vitro. Allele origin: not applicable. Functional consequence: retained intron. Not counted in ClinVar's aggregate classification.

Dr. Peter K. Rogan Lab, Western University
No classification provided (evidence only). Condition: Malignant tumor of esophagus. Review status: no classification provided. Collection method: in vitro. Allele origin: not applicable. Functional consequence: retained intron. Not counted in ClinVar's aggregate classification.

Genetic Services Laboratory, University of Chicago
Classification: Likely benign for AllHighlyPenetrant. Review status: no assertion criteria provided. Collection method: clinical testing. Allele origin: germline. Inheritance: Autosomal recessive inheritance. Not counted in ClinVar's aggregate classification.
Comment: Likely benign based on allele frequency in 1000 Genomes Project or ESP global frequency and its presence in a patient with a rare or unrelated disease phenotype. NOT Sanger confirmed.

NM_173630.4(RTTN):c.2886-9A>G

Gene: RTTN (rotatin; minus strand). Cytogenetic location: 18q22.2.
Variant type: single nucleotide variant.
Coding change: c.2886-9A>G on transcript NM_173630.4 (MANE Select); 9 bases into the intron before coding-DNA position 2886, A replaced by G.
Molecular consequence: intron variant.
Genome position (GRCh38, 1-based): chr18:70,134,550, T>C on the plus strand (A>G on the coding strand, the complement: RTTN is on the minus strand). VCF-style: chr18-70134550-T-C. GRCh37 (hg19) VCF-style: chr18-67801786-T-C.
Other names: c.150-9A>G (NM_001318520.2).
Identifiers: ClinVar variation 130173 (VCV000130173.20), dbSNP rs75225724, ClinGen allele CA154999.